The following is an entry in ClinVar:

ClinVar aggregate classification (germline): Likely benign (1 of 4 stars; one submission).

Conditions:
NEFL-related disorder. Also called: NEFL-related condition.

gnomAD v4.1: 3 of 1,604,956 alleles (0.00019%); highest among the groups gnomAD compares: Non-Finnish European, 0.00025%; no homozygotes.

Submission:

PreventionGenetics, part of Exact Sciences
Classification: Likely benign for NEFL-related condition. Last evaluated: 2025-07-16. Review status: criteria provided, single submitter. Criteria: ACMG Guidelines, 2015. Collection method: clinical testing. Allele origin: germline.
Comment: This variant is classified as likely benign based on ACMG/AMP sequence variant interpretation guidelines (Richards et al. 2015 PMID: 25741868, with internal and published modifications).

NM_006158.5(NEFL):c.600C>T (p.Asp200=)

Gene: NEFL (neurofilament light chain; minus strand). Cytogenetic location: 8p21.2.
Variant type: single nucleotide variant.
Coding change: c.600C>T on transcript NM_006158.5 (MANE Select); coding-DNA position 600, C replaced by T.
Protein change: p.Asp200=; no amino-acid change (aspartic acid 200 retained).
Molecular consequence: synonymous variant.
Genome position (GRCh38, 1-based): chr8:24,955,916, G>A on the plus strand (C>T on the coding strand, the complement: NEFL is on the minus strand). VCF-style: chr8-24955916-G-A. GRCh37 (hg19) VCF-style: chr8-24813430-G-A.
Identifiers: ClinVar variation 4980644 (VCV004980644.1).